The following is an entry in ClinVar:

ClinVar aggregate classification (germline): Pathogenic (1 of 4 stars; one submission).

Conditions:
Microcephaly 1, primary, autosomal recessive (MCPH1). Also called: PREMATURE CHROMOSOME CONDENSATION SYNDROME; PCC SYNDROME; PREMATURE CHROMOSOME CONDENSATION WITH MICROCEPHALY AND MENTAL RETARDATION. Identifiers: Orphanet 2512, MedGen C1855081, MONDO:0009617, OMIM 251200.

gnomAD v4.1: 1 of 1,613,424 alleles (0.000062%); no homozygotes.

Submission:

Genomics, Clalit Research Institute, Clalit Health Care
Classification: Pathogenic for Microcephaly 1, primary, autosomal recessive. Last evaluated: 2025-02-04. Review status: criteria provided, single submitter. Criteria: ACMG Guidelines, 2015. Collection method: clinical testing. Allele origin: unknown. Inheritance: Autosomal recessive inheritance. Affected: yes. Observed: 1 homozygote.
Comment: Inheritance: The variant was identified in the Homozygous state in the sample - pm3_support. Frequency: The variant is absent from the gnomAD reference population dataset - pm2_support. Variant type: Canonical -1 splice site variant, predicted to undergo NMD, in a gene where LOF is a known mechanism of disease - pvs1. Clinical evidence: To date, the variant has not been described by reputable sources or in the primary literature. In summary, we have classified this variant to be pathogenic, based on the following criteria: pm2_support, pvs1, pm3_support.

NM_024596.5(MCPH1):c.115-1G>A

Gene: MCPH1 (microcephalin 1; plus strand). Cytogenetic location: 8p23.1.
Variant type: single nucleotide variant.
Coding change: c.115-1G>A on transcript NM_024596.5 (MANE Select); the canonical splice acceptor site of the intron before coding-DNA position 115, G replaced by A.
Molecular consequence: splice acceptor variant.
Genome position (GRCh38, 1-based): chr8:6,414,764, G>A. VCF-style: chr8-6414764-G-A. GRCh37 (hg19) VCF-style: chr8-6272285-G-A.
Other names: c.115-1G>A (NM_001322042.2, NM_001363980.2, NM_001363979.1 and 4 more transcripts); c.109-1G>A (NM_001322043.2); c.13-1G>A (NM_001322045.2).
Identifiers: ClinVar variation 3765887 (VCV003765887.2).